The following is an entry in ClinVar:

NM_001042492.3(NF1):c.2151A>G (p.Ala717=)

Gene: NF1 (neurofibromin 1; plus strand). Cytogenetic location: 17q11.2.
Variant type: single nucleotide variant.
Coding change: c.2151A>G on transcript NM_001042492.3 (MANE Select); coding-DNA position 2151, A replaced by G.
Protein change: p.Ala717=; no amino-acid change (alanine 717 retained).
Molecular consequence: synonymous variant.
Genome position (GRCh38, 1-based): chr17:31,226,584, A>G. VCF-style: chr17-31226584-A-G. GRCh37 (hg19) VCF-style: chr17-29553602-A-G.
Other names: c.2151A>G, p.Ala717= (NM_000267.4).
Identifiers: ClinVar variation 1786753 (VCV001786753.10), dbSNP rs2508157035, ClinGen allele CA499443839.

ClinVar aggregate classification (germline): Likely benign. Review status: criteria provided, multiple submitters, no conflicts (2 of 4 stars). 2 submissions from 2 submitters: Likely benign (2). Last evaluated 2025-08-01.

Conditions:
Cardiovascular phenotype. Identifiers: MedGen CN230736.
Hereditary cancer-predisposing syndrome. Also called: Hereditary neoplastic syndrome; Neoplastic Syndromes, Hereditary; Tumor predisposition; Hereditary Cancer Syndrome. Identifiers: Orphanet 140162, MedGen C0027672, MeSH D009386, MONDO:0015356.

Submissions (2):

CeGaT Center for Human Genetics Tuebingen
Classification: Likely benign. Last evaluated: 2025-08-01. Review status: criteria provided, single submitter. Criteria: CeGaT Center For Human Genetics Tuebingen Variant Classification Criteria Version 2. Collection method: clinical testing. Allele origin: germline. Affected: yes. Observed: 1 variant allele.
Comment: NF1: PM2:Supporting, BP4, BP7

Ambry Genetics
Classification: Likely benign for Cardiovascular phenotype; Hereditary cancer-predisposing syndrome. Last evaluated: 2020-06-10. Review status: criteria provided, single submitter. Criteria: Ambry Variant Classification Scheme 2023. Collection method: clinical testing. Allele origin: germline.